The following is an entry in ClinVar:

ClinVar aggregate classification (germline): Uncertain significance. Review status: criteria provided, multiple submitters, no conflicts (2 of 4 stars). 2 submissions from 2 submitters: Uncertain significance (2). Last evaluated 2025-08-01.

Conditions:
Inborn genetic diseases. Identifiers: MedGen C0950123, MeSH D030342.

Allele frequency attached by ClinVar (database versions not stated): TOPMed 0.00003; gnomAD 0.00005; 1000 Genomes Project 30x 0.00016.
gnomAD v4.1: 116 of 1,597,442 alleles (0.0073%); highest among the groups gnomAD compares: East Asian, 0.2%; no homozygotes.

Submissions (2):

Ambry Genetics
Classification: Uncertain significance for Inborn genetic diseases. Last evaluated: 2025-08-01. Review status: criteria provided, single submitter. Criteria: Ambry Variant Classification Scheme 2023. Collection method: clinical testing. Allele origin: germline.

Labcorp Genetics (formerly Invitae), Labcorp
Classification: Uncertain significance. Last evaluated: 2025-06-10. Review status: criteria provided, single submitter. Criteria: Invitae Variant Classification Sherloc (09022015). Collection method: clinical testing. Allele origin: germline.
Comment: This sequence change replaces arginine, which is basic and polar, with cysteine, which is neutral and slightly polar, at codon 1202 of the POLR1A protein (p.Arg1202Cys). This variant is present in population databases (rs191297520, gnomAD 0.01%). This variant has not been reported in the literature in individuals affected with POLR1A-related conditions. ClinVar contains an entry for this variant (Variation ID: 2177634). Invitae Evidence Modeling of protein sequence and biophysical properties (such as structural, functional, and spatial information, amino acid conservation, physicochemical variation, residue mobility, and thermodynamic stability) indicates that this missense variant is expected to disrupt POLR1A protein function with a positive predictive value of 80%. In summary, the available evidence is currently insufficient to determine the role of this variant in disease. Therefore, it has been classified as a Variant of Uncertain Significance.

NM_015425.6(POLR1A):c.3604C>T (p.Arg1202Cys)

Gene: POLR1A (RNA polymerase I subunit A; minus strand). Cytogenetic location: 2p11.2.
Variant type: single nucleotide variant.
Coding change: c.3604C>T on transcript NM_015425.6 (MANE Select); coding-DNA position 3604, C replaced by T.
Protein change: p.Arg1202Cys; replaces arginine 1202 with cysteine.
Molecular consequence: missense variant.
Genome position (GRCh38, 1-based): chr2:86,040,528, G>A on the plus strand (C>T on the coding strand, the complement: POLR1A is on the minus strand). VCF-style: chr2-86040528-G-A. GRCh37 (hg19) VCF-style: chr2-86267651-G-A.
Other names: c.3604C>T (NM_015425.3); short protein forms R1202C.
Identifiers: ClinVar variation 2177634 (VCV002177634.5), dbSNP rs191297520, ClinGen allele CA1745720.
Genomic context (GRCh38, chr2:86,040,528, plus strand): 5'-GCTCTCCGATGCTCTGGGCAGCCAGCAGGCCCACAGCCTCGCCCGGCTCACACAGTGAGC[G>A]CTGCCACTTCAGCTGCAGCAAGGTCCTCAACCTAGAGACGGTGGTGGGGGGTCAGGGTGG-3'
Protein context (NP_056240.2, residues 1192-1212): LRTLLQLKWQ[Arg1202Cys]SLCEPGEAVG